The following is an entry in ClinVar:

ClinVar aggregate classification (germline): Uncertain significance (1 of 4 stars; one submission).

Conditions:
Acrocallosal syndrome (ACLS). Also called: HALLUX DUPLICATION, POSTAXIAL POLYDACTYLY, AND ABSENCE OF CORPUS CALLOSUM; Schinzel syndrome 1; Absence of corpus callosum with unusual facial appearance, mental deficiency, duplication of the halluces and polydactyly. Identifiers: Orphanet 36, MedGen C0796147, MONDO:0008708, OMIM 200990.

Allele frequency attached by ClinVar (database versions not stated): TOPMed 0.00001.
gnomAD v4.1: 4 of 1,613,310 alleles (0.00025%); highest among the groups gnomAD compares: Non-Finnish European, 0.00034%; no homozygotes.

Submission:

Labcorp Genetics (formerly Invitae), Labcorp
Classification: Uncertain significance for Acrocallosal syndrome. Last evaluated: 2022-04-07. Review status: criteria provided, single submitter. Criteria: Invitae Variant Classification Sherloc (09022015). Collection method: clinical testing. Allele origin: germline.
Comment: In summary, the available evidence is currently insufficient to determine the role of this variant in disease. Therefore, it has been classified as a Variant of Uncertain Significance. Algorithms developed to predict the effect of missense changes on protein structure and function output the following: SIFT: "Deleterious"; PolyPhen-2: "Benign"; Align-GVGD: "Class C0". The isoleucine amino acid residue is found in multiple mammalian species, which suggests that this missense change does not adversely affect protein function. This variant has not been reported in the literature in individuals affected with KIF7-related conditions. This variant is not present in population databases (gnomAD no frequency). This sequence change replaces leucine, which is neutral and non-polar, with isoleucine, which is neutral and non-polar, at codon 550 of the KIF7 protein (p.Leu550Ile).

NM_198525.3(KIF7):c.1648C>A (p.Leu550Ile)

Gene: KIF7 (kinesin family member 7; minus strand). Cytogenetic location: 15q26.1.
Variant type: single nucleotide variant.
Coding change: c.1648C>A on transcript NM_198525.3 (MANE Select); coding-DNA position 1648, C replaced by A.
Protein change: p.Leu550Ile; replaces leucine 550 with isoleucine.
Molecular consequence: missense variant.
Genome position (GRCh38, 1-based): chr15:89,646,970, G>T on the plus strand (C>A on the coding strand, the complement: KIF7 is on the minus strand). VCF-style: chr15-89646970-G-T. GRCh37 (hg19) VCF-style: chr15-90190201-G-T.
Other names: short protein forms L550I.
Identifiers: ClinVar variation 2056553 (VCV002056553.4), dbSNP rs763388257, ClinGen allele CA393767688.